The following is an entry in ClinVar:

NM_139057.4(ADAMTS17):c.1075+1G>T

Gene: ADAMTS17 (ADAM metallopeptidase with thrombospondin type 1 motif 17; minus strand). Cytogenetic location: 15q26.3.
Variant type: single nucleotide variant.
Coding change: c.1075+1G>T on transcript NM_139057.4 (MANE Select); the canonical splice donor site of the intron after coding-DNA position 1075, G replaced by T.
Molecular consequence: splice donor variant.
Genome position (GRCh38, 1-based): chr15:100,254,135, C>A on the plus strand (G>T on the coding strand, the complement: ADAMTS17 is on the minus strand). VCF-style: chr15-100254135-C-A. GRCh37 (hg19) VCF-style: chr15-100794340-C-A.
Identifiers: ClinVar variation 1210064 (VCV001210064.3), dbSNP rs2141962944, ClinGen allele CA393937439.

ClinVar aggregate classification (germline): Likely pathogenic. Review status: criteria provided, single submitter (1 of 4 stars). 3 submissions from 3 submitters: Likely pathogenic (1). 2 of the submissions do not count toward it. Last evaluated 2026-01-01.

Allele frequency attached by ClinVar (database versions not stated): gnomAD exomes below 0.00001.
gnomAD v4.1: 6 of 1,613,260 alleles (0.00037%); highest among the groups gnomAD compares: Non-Finnish European, 0.00051%; no homozygotes.

Submissions (3):

Labcorp Genetics (formerly Invitae), Labcorp
Classification: Likely pathogenic. Last evaluated: 2026-01-01. Review status: criteria provided, single submitter. Criteria: Invitae Variant Classification Sherloc (09022015). Collection method: clinical testing. Allele origin: germline.
Comment: This sequence change affects a donor splice site in intron 7 of the ADAMTS17 gene. It is expected to disrupt RNA splicing. Variants that disrupt the donor or acceptor splice site typically lead to a loss of protein function (PMID: 16199547), and loss-of-function variants in ADAMTS17 are known to be pathogenic (PMID: 19836009, 24940034). This variant is not present in population databases (gnomAD no frequency). This variant has not been reported in the literature in individuals affected with ADAMTS17-related conditions. ClinVar contains an entry for this variant (Variation ID: 1210064). Algorithms developed to predict the effect of sequence changes on RNA splicing suggest that this variant may disrupt the consensus splice site. In summary, the currently available evidence indicates that the variant is pathogenic, but additional data are needed to prove that conclusively. Therefore, this variant has been classified as Likely Pathogenic.

Clinical Genetics DNA and cytogenetics Diagnostics Lab, Erasmus MC, Erasmus Medical Center
Classification: Pathogenic. Review status: no assertion criteria provided. Collection method: clinical testing. Allele origin: germline. Affected: yes. Study: VKGL Data-share Consensus. Not counted in ClinVar's aggregate classification.

Genome Diagnostics Laboratory, Amsterdam University Medical Center
Classification: Pathogenic. Review status: no assertion criteria provided. Collection method: clinical testing. Allele origin: germline. Affected: yes. Study: VKGL Data-share Consensus. Not counted in ClinVar's aggregate classification.

Literature cited by the submitters: PubMed 16199547 (cited by Labcorp Genetics (formerly Invitae), Labcorp); PubMed 19836009 (cited by Labcorp Genetics (formerly Invitae), Labcorp); PubMed 24940034 (cited by Labcorp Genetics (formerly Invitae), Labcorp).